The following is an entry in ClinVar:

NC_000019.9:g.(?_38755533)_(38755658_?)del

Gene: SPINT2 (serine peptidase inhibitor, Kunitz type 2; plus strand). Cytogenetic location: 19q13.2.
Variant type: Deletion.
Identifiers: ClinVar variation 3242708 (VCV003242708.1).

ClinVar aggregate classification (germline): Pathogenic (1 of 4 stars; one submission).

Submission:

Labcorp Genetics (formerly Invitae), Labcorp
Classification: Pathogenic. Last evaluated: 2023-01-15. Review status: criteria provided, single submitter. Criteria: Invitae Variant Classification Sherloc (09022015). Collection method: clinical testing. Allele origin: unknown.
Comment: For these reasons, this variant has been classified as Pathogenic. This variant has not been reported in the literature in individuals affected with SPINT2-related conditions. This variant is a gross deletion of the genomic region encompassing exon(s) 1 of the SPINT2 gene, which includes the initiator codon. This deletion extends beyond the assayed region for this gene and therefore may encompass additional genes. It is expected to result in an absent or disrupted protein product. Loss-of-function variants in SPINT2 are known to be pathogenic (PMID: 19185281, 24142340).

Literature cited by the submitters: PubMed 19185281; PubMed 24142340.